The following is an entry in ClinVar:

NM_003183.6(ADAM17):c.1824T>C (p.Ser608=)

Genes: ADAM17 (ADAM metallopeptidase domain 17; minus strand), IAH1 (isoamyl acetate hydrolyzing esterase 1 (putative); plus strand). Cytogenetic location: 2p25.1.
Variant type: single nucleotide variant.
Coding change: c.1824T>C on transcript NM_003183.6 (MANE Select); coding-DNA position 1824, T replaced by C.
Protein change: p.Ser608=; no amino-acid change (serine 608 retained).
Molecular consequence: synonymous variant.
Genome position (GRCh38, 1-based): chr2:9,494,727, A>G on the plus strand (T>C on the coding strand, the complement: ADAM17 is on the minus strand). VCF-style: chr2-9494727-A-G. GRCh37 (hg19) VCF-style: chr2-9634856-A-G.
Other names: p.Ser608=; c.1164T>C, p.Ser388= (NM_001382777.1); c.927T>C, p.Ser309= (NM_001382778.1); c.1824T>C (NM_003183.4, NM_003183.5).
Identifiers: ClinVar variation 1169868 (VCV001169868.21), dbSNP rs1048610, ClinGen allele CA1523399.
Genomic context (GRCh38, chr2:9,494,727, plus strand): 5'-CTTTCCTTTCCTCAAAAATAAGTTCTTTTGTTCAGCATCGACATAGGGCACACAGCGGCC[A>G]GAAAGGTCCCTGCAGCACACCTTGCAGGAGTTGTCAGTTTCTGGAACAGAGAACACGCAT-3'
Protein context (NP_003174.3, residues 598-618): NSCKVCCRDL[Ser608=]GRCVPYVDAE

ClinVar aggregate classification (germline): Benign/Likely benign. Review status: criteria provided, multiple submitters, no conflicts (2 of 4 stars). 8 submissions from 8 submitters: Benign (7); Likely benign (1). Last evaluated 2026-02-04.

Conditions:
Inflammatory skin and bowel disease, neonatal, 1. Identifiers: Orphanet 294023, MedGen C3280501, MONDO:0013693, OMIM 614328.

Allele frequency attached by ClinVar (database versions not stated): 1000 Genomes Project 0.46446; 1000 Genomes Project 30x 0.47470; gnomAD exomes 0.50002 and 0.56504; ExAC 0.51209; gnomAD 0.58241 and 0.59724; TOPMed 0.58519; ESP Exome Variant Server 0.64555.
gnomAD v4.1: 914,996 of 1,613,660 alleles (57%); highest among the groups gnomAD compares: African/African-American, 72%; 270,279 homozygotes.

Submissions (8):

Labcorp Genetics (formerly Invitae), Labcorp
Classification: Benign for Inflammatory skin and bowel disease, neonatal, 1. Last evaluated: 2026-02-04. Review status: criteria provided, single submitter. Criteria: Invitae Variant Classification Sherloc (09022015). Collection method: clinical testing. Allele origin: germline.

Women's Health and Genetics/Laboratory Corporation of America, LabCorp
Classification: Benign. Last evaluated: 2026-01-21. Review status: criteria provided, single submitter. Criteria: LabCorp Variant Classification Summary - May 2015. Collection method: clinical testing. Allele origin: germline.

Blueprint Genetics
Classification: Likely benign. Last evaluated: 2024-11-26. Review status: criteria provided, single submitter. Criteria: ACMG Guidelines, 2015. Collection method: clinical testing. Allele origin: germline.

Unidad de Genómica Garrahan, Hospital de Pediatría Garrahan
Classification: Benign. Last evaluated: 2023-11-12. Review status: criteria provided, single submitter. Criteria: ACMG Guidelines, 2015. Collection method: clinical testing. Allele origin: germline. Affected: no. Observed: 62 variant alleles.
Comment: This variant is classified as Benign based on local population frequency. This variant was detected in 65% of patients studied by a panel of primary immunodeficiencies. Number of patients: 62. Only high quality variants are reported.

Genome-Nilou Lab
Classification: Benign for Inflammatory skin and bowel disease, neonatal, 1. Last evaluated: 2021-07-14. Review status: criteria provided, single submitter. Criteria: ACMG Guidelines, 2015. Collection method: clinical testing. Allele origin: germline. Affected: no.

GeneDx
Classification: Benign. Last evaluated: 2020-10-30. Review status: criteria provided, single submitter. Criteria: GeneDx Variant Classification Process June 2021. Collection method: clinical testing. Allele origin: germline. Affected: yes.

Mayo Clinic Laboratories, Mayo Clinic
Classification: Benign. Last evaluated: 2019-02-26. Review status: criteria provided, single submitter. Criteria: ACMG Guidelines, 2015. Collection method: clinical testing. Allele origin: germline. Observed: 610 variant alleles.

Breakthrough Genomics
Classification: Benign. Review status: criteria provided, single submitter. Criteria: ACMG Guidelines, 2015. Collection method: not provided. Allele origin: germline. Inheritance: Autosomal recessive inheritance. Affected: yes.